The following is an entry in ClinVar:

ClinVar aggregate classification (germline): Pathogenic/Likely pathogenic. Review status: criteria provided, multiple submitters, no conflicts (2 of 4 stars). 3 submissions from 3 submitters: Pathogenic (1); Likely pathogenic (1). 1 of the submissions does not count toward it. Last evaluated 2025-01-20.

Conditions:
TSC2-related disorder. Also called: TSC2-Related Disorders; TSC2-related condition.
Tuberous sclerosis syndrome (TSC). Also called: Tuberous Sclerosis Complex; Tuberous sclerosis. Identifiers: Orphanet 805, MedGen C0041341, MONDO:0001734.
Tuberous sclerosis 2 (TSC2). Identifiers: Orphanet 805, MedGen C1860707, MONDO:0013199, OMIM 613254.

Submissions (3):

Labcorp Genetics (formerly Invitae), Labcorp
Classification: Pathogenic for Tuberous sclerosis 2. Last evaluated: 2025-01-20. Review status: criteria provided, single submitter. Criteria: Invitae Variant Classification Sherloc (09022015). Collection method: clinical testing. Allele origin: germline.
Comment: This sequence change falls in intron 40 of the TSC2 gene. It does not directly change the encoded amino acid sequence of the TSC2 protein. It affects a nucleotide within the consensus splice site. This variant is not present in population databases (gnomAD no frequency). This variant has been observed in individual(s) with tuberous sclerosis complex (PMID: 10570911, 16114042). ClinVar contains an entry for this variant (Variation ID: 49429). Variants that disrupt the consensus splice site are a relatively common cause of aberrant splicing (PMID: 17576681, 9536098). Algorithms developed to predict the effect of sequence changes on RNA splicing suggest that this variant may disrupt the consensus splice site. This variant disrupts the c.5160+5G nucleotide in the TSC2 gene. Other variant(s) that disrupt this nucleotide have been determined to be pathogenic (PMID: 29196670, 32313033). This suggests that this nucleotide is clinically significant, and that variants that disrupt this position are likely to be disease-causing. For these reasons, this variant has been classified as Pathogenic.

Blueprint Genetics
Classification: Likely pathogenic for TSC2-related disorders. Last evaluated: 2024-03-14. Review status: criteria provided, single submitter. Criteria: ACMG Guidelines, 2015. Collection method: clinical testing. Allele origin: germline. Affected: yes. Observed: 2 variant alleles.

Tuberous sclerosis database (TSC2)
No classification provided. Condition: TSC. Review status: no classification provided. Criteria: Tuberous Sclerosis Database Assertion Criteria 2015. Collection method: curation. Allele origin: germline. Affected: yes. Not counted in ClinVar's aggregate classification.

Literature cited by the submitters: PubMed 10570911 (cited by Labcorp Genetics (formerly Invitae), Labcorp); PubMed 16114042 (cited by Labcorp Genetics (formerly Invitae), Labcorp); PubMed 17576681 (cited by Labcorp Genetics (formerly Invitae), Labcorp); PubMed 9536098 (cited by Labcorp Genetics (formerly Invitae), Labcorp); PubMed 29196670 (cited by Labcorp Genetics (formerly Invitae), Labcorp); PubMed 32313033 (cited by Labcorp Genetics (formerly Invitae), Labcorp).

NM_000548.5(TSC2):c.5160+5G>A

Gene: TSC2 (TSC complex subunit 2; plus strand). Cytogenetic location: 16p13.3.
Variant type: single nucleotide variant.
Coding change: c.5160+5G>A on transcript NM_000548.5 (MANE Select); 5 bases into the intron after coding-DNA position 5160, G replaced by A.
Molecular consequence: intron variant.
Genome position (GRCh38, 1-based): chr16:2,088,144, G>A. VCF-style: chr16-2088144-G-A. GRCh37 (hg19) VCF-style: chr16-2138145-G-A.
Other names: c.5091+5G>A (NM_001114382.3); c.5031+5G>A (NM_021055.3, NM_001370405.1); c.4962+5G>A (NM_001363528.2); c.5028+5G>A (NM_001370404.1); c.4959+5G>A (NM_001077183.3); c.4851+5G>A (NM_001318827.2); c.4428+5G>A (NM_001318831.2); c.4815+5G>A (NM_001318829.2); and 1 more.
Identifiers: ClinVar variation 49429 (VCV000049429.8), dbSNP rs45515392, ClinGen allele CA021966.